The following is an entry in ClinVar:

ClinVar aggregate classification (germline): Uncertain significance (1 of 4 stars; one submission).

Conditions:
Diffuse cerebral and cerebellar atrophy - intractable seizures - progressive microcephaly syndrome. Also called: Microcephaly, progressive, with seizures and cerebral and cerebellar atrophy. Identifiers: Orphanet 404437, MedGen C4014239, MONDO:0014335, OMIM 615760.

Allele frequency attached by ClinVar (database versions not stated): gnomAD exomes below 0.00001.
gnomAD v4.1: 5 of 1,614,146 alleles (0.00031%); highest among the groups gnomAD compares: East Asian, 0.0067%; no homozygotes.

Submission:

Institute of Human Genetics, University of Leipzig Medical Center
Classification: Uncertain significance for Diffuse cerebral and cerebellar atrophy - intractable seizures - progressive microcephaly syndrome. Last evaluated: 2022-09-15. Review status: criteria provided, single submitter. Criteria: ACMG Guidelines, 2015. Collection method: clinical testing. Allele origin: unknown. Affected: yes.
Comment: This variant was identified as compound heterozygous with NM_005051.3:c.793C>T._x000D_ Criteria applied: PM1, PM2_SUP, PP3

NM_005051.3(QARS1):c.839A>G (p.His280Arg)

Gene: QARS1 (glutaminyl-tRNA synthetase 1; minus strand). Cytogenetic location: 3p21.31.
Variant type: single nucleotide variant.
Coding change: c.839A>G on transcript NM_005051.3 (MANE Select); coding-DNA position 839, A replaced by G.
Protein change: p.His280Arg; replaces histidine 280 with arginine.
Molecular consequence: missense variant. On other transcripts: non-coding transcript variant (1).
Genome position (GRCh38, 1-based): chr3:49,101,392, T>C on the plus strand (A>G on the coding strand, the complement: QARS1 is on the minus strand). VCF-style: chr3-49101392-T-C. GRCh37 (hg19) VCF-style: chr3-49138825-T-C.
Other names: c.806A>G, p.His269Arg (NM_001272073.2); short protein forms H269R, H280R.
Identifiers: ClinVar variation 1707537 (VCV001707537.1), dbSNP rs2107106158, ClinGen allele CA352714090.